The following is an entry in ClinVar:

ClinVar aggregate classification (germline): Uncertain significance (1 of 4 stars; one submission).

Conditions:
Inborn genetic diseases. Identifiers: MedGen C0950123, MeSH D030342.

Allele frequency attached by ClinVar (database versions not stated): gnomAD exomes below 0.00001.
gnomAD v4.1: 1 of 1,614,122 alleles (0.000062%); highest among the groups gnomAD compares: South Asian, 0.0011%; no homozygotes.

Submission:

Ambry Genetics
Classification: Uncertain significance for Inborn genetic diseases. Last evaluated: 2021-11-09. Review status: criteria provided, single submitter. Criteria: Ambry Variant Classification Scheme 2023. Collection method: clinical testing. Allele origin: germline.
Comment: The c.3835+1G>A intronic variant results from a G to A substitution one nucleotide after exon 26 (coding exon 25) of the RPGRIP1L gene. This alteration occurs at the 3' terminus of the RPGRIP1L gene, is not expected to trigger nonsense-mediated mRNA decay, and only impacts the last 3% of the protein. The exact functional effect of this alteration is unknown. This variant was not reported in population-based cohorts in the Genome Aggregation Database (gnomAD). In silico splice site analysis predicts that this alteration will weaken the native splice donor site and may result in the creation or strengthening of a novel splice donor site. Based on insufficient or conflicting evidence, the clinical significance of this alteration remains unclear.

NM_015272.5(RPGRIP1L):c.3835+1G>A

Gene: RPGRIP1L (RPGRIP1 like; minus strand). Cytogenetic location: 16q12.2.
Variant type: single nucleotide variant.
Coding change: c.3835+1G>A on transcript NM_015272.5 (MANE Select); the canonical splice donor site of the intron after coding-DNA position 3835, G replaced by A.
Molecular consequence: splice donor variant.
Genome position (GRCh38, 1-based): chr16:53,605,480, C>T on the plus strand (G>A on the coding strand, the complement: RPGRIP1L is on the minus strand). VCF-style: chr16-53605480-C-T. GRCh37 (hg19) VCF-style: chr16-53639392-C-T.
Other names: c.3595+1G>A (NM_001127897.4); c.3733+1G>A (NM_001330538.2); c.3697+1G>A (NM_001308334.3).
Identifiers: ClinVar variation 2252975 (VCV002252975.2), dbSNP rs2543681128, ClinGen allele CA395920886.